The following is an entry in ClinVar:

NM_000051.4(ATM):c.6903A>T (p.Ala2301=)

Genes: ATM (ATM serine/threonine kinase; plus strand), C11orf65 (chromosome 11 open reading frame 65; minus strand). Cytogenetic location: 11q22.3.
Variant type: single nucleotide variant.
Coding change: c.6903A>T on transcript NM_000051.4 (MANE Select); coding-DNA position 6903, A replaced by T.
Protein change: p.Ala2301=; no amino-acid change (alanine 2301 retained).
Molecular consequence: synonymous variant. On other transcripts: intron variant (2).
Genome position (GRCh38, 1-based): chr11:108,326,153, A>T. VCF-style: chr11-108326153-A-T. GRCh37 (hg19) VCF-style: chr11-108196880-A-T.
Other names: c.6903A>T, p.Ala2301= (NM_001351834.2); c.641-17082T>A (NM_001330368.2); c.*38+9067T>A (NM_001351110.2).
Identifiers: ClinVar variation 3254213 (VCV003254213.1), dbSNP rs2136336159.

ClinVar aggregate classification (germline): Benign (1 of 4 stars; one submission).

Conditions:
Familial cancer of breast. Also called: hereditary breast carcinoma; BREAST CANCER, FAMILIAL; Hereditary breast cancer. Identifiers: Orphanet 227535, MedGen C0346153, MONDO:0016419, OMIM 114480. Disease mechanism: loss of function.

Submission:

Myriad Genetics, Inc.
Classification: Benign for Familial cancer of breast. Last evaluated: 2024-06-12. Review status: criteria provided, single submitter. Criteria: Myriad Autosomal Dominant, Autosomal Recessive and X-Linked Classification Criteria (2023). Collection method: clinical testing. Allele origin: unknown.
Comment: This variant is considered benign. This variant is a silent/synonymous amino acid change and it is not expected to impact splicing.